The following is an entry in ClinVar:

ClinVar aggregate classification (germline): Conflicting classifications of pathogenicity. Review status: criteria provided, conflicting classifications (1 of 4 stars). 5 submissions from 5 submitters: Pathogenic (1); Likely pathogenic (3); Uncertain significance (1). Last evaluated 2025-08-04.

Conditions:
TERT-related disorder. Also called: TERT-related condition; TERT-related disorders.
Idiopathic Pulmonary Fibrosis. Also called: Idiopathic fibrosing alveolitis, chronic form; idiopathic fibrosing alveolitis. Identifiers: Orphanet 2032, MedGen C1800706, MeSH D054990, MONDO:0800504.
Dyskeratosis congenita, autosomal dominant 2. Identifiers: MedGen C3151443, MONDO:0013521, OMIM 613989.
Dyskeratosis congenita. Identifiers: Orphanet 1775, MedGen C0265965, MONDO:0015780.

Allele frequency attached by ClinVar (database versions not stated): gnomAD exomes below 0.00001; ExAC 0.00001; ESP Exome Variant Server 0.00008.
gnomAD v4.1: 2 of 1,609,394 alleles (0.00012%); highest among the groups gnomAD compares: East Asian, 0.0022%; no homozygotes.

Submissions (5):

GeneDx
Classification: Pathogenic. Last evaluated: 2025-08-04. Review status: criteria provided, single submitter. Criteria: GeneDx Variant Classification Process June 2021. Collection method: clinical testing. Allele origin: germline. Affected: yes.
Comment: Observed in a patient with idiopathic pulmonary fibrosis in published literature (PMID: 17460043); Published functional studies demonstrate a damaging effect: defective telomerase function and decreased telomerase activity (PMID: 22364217, 17460043, 38641551); In silico analysis supports that this missense variant has a deleterious effect on protein structure/function; Not observed at significant frequency in large population cohorts (gnomAD); This variant is associated with the following publications: (PMID: 20502709, 34019641, 17460043, 20007561, 22853774, 27210295, 28102861, 30523342, 38641551, 22364217, 38363828)

Blueprint Genetics
Classification: Likely pathogenic for TERT-related disorders. Last evaluated: 2024-06-14. Review status: criteria provided, single submitter. Criteria: ACMG Guidelines, 2015. Collection method: clinical testing. Allele origin: germline. Affected: yes. Observed: 2 variant alleles.

Labcorp Genetics (formerly Invitae), Labcorp
Classification: Uncertain significance for Dyskeratosis congenita, autosomal dominant 2; Idiopathic Pulmonary Fibrosis. Last evaluated: 2021-10-15. Review status: criteria provided, single submitter. Criteria: Invitae Variant Classification Sherloc (09022015). Collection method: clinical testing. Allele origin: germline.
Comment: This sequence change replaces arginine with cysteine at codon 865 of the TERT protein (p.Arg865Cys). The arginine residue is highly conserved and there is a large physicochemical difference between arginine and cysteine. The frequency data for this variant in the population databases is considered unreliable, as metrics indicate poor data quality at this position in the ExAC database. This missense change has been observed in individual(s) with idiopathic pulmonary fibrosis (IPF) (PMID: 17460043, 20502709). ClinVar contains an entry for this variant (Variation ID: 986922). Advanced modeling of protein sequence and biophysical properties (such as structural, functional, and spatial information, amino acid conservation, physicochemical variation, residue mobility, and thermodynamic stability) performed at Invitae indicates that this missense variant is expected to disrupt TERT protein function. Experimental studies have shown that this missense change affects TERT function (PMID: 22364217). This variant disrupts the p.Arg865 amino acid residue in TERT. Other variant(s) that disrupt this residue have been determined to be pathogenic (PMID: 17460043, 22853774, 28102861, 30523342). This suggests that this residue is clinically significant, and that variants that disrupt this residue are likely to be disease-causing. In summary, the available evidence is currently insufficient to determine the role of this variant in disease. Therefore, it has been classified as a Variant of Uncertain Significance.

Institute of Medical Genetics and Applied Genomics, University Hospital Tübingen
Classification: Likely pathogenic. Last evaluated: 2020-10-23. Review status: criteria provided, single submitter. Criteria: ACMG Guidelines, 2015. Collection method: clinical testing. Allele origin: germline. Inheritance: Autosomal unknown. Affected: yes.

Ambry Genetics
Classification: Likely pathogenic for Dyskeratosis congenita. Last evaluated: 2018-12-22. Review status: criteria provided, single submitter. Criteria: Ambry Variant Classification Scheme 2023. Collection method: clinical testing. Allele origin: germline.
Comment: The p.R865C variant (also known as c.2593C>T), located in coding exon 10 of the TERT gene, results from a C to T substitution at nucleotide position 2593. The arginine at codon 865 is replaced by cysteine, an amino acid with highly dissimilar properties. This variant was identified in an individual with pulmonary fibrosis, neutropenia, and shortened telomere length (Tsakiri KD et al. Proc. Natl. Acad. Sci. U.S.A., 2007 May;104:7552-7; Diaz de Leon A et al. PLoS ONE, 2010 May;5:e10680; Newton CA et al. Eur. Respir. J., 2016 12;48:1710-1720). Telomerase activity analysis in vitro and in human cells demonstrated a reduced activity compared to wild type (Tsang AR et al. Aging Cell, 2012 Jun;11:482-90). A disease-causing mutation, p.R865H, has been described in the same codon (Tsakiri KD et al. Proc. Natl. Acad. Sci. U.S.A., 2007 May;104:7552-7). This amino acid position is highly conserved in available vertebrate species. In addition, this alteration is predicted to be tolerated by in silico analysis. Based on the majority of available evidence to date, this variant is likely to be pathogenic.

Literature cited by the submitters: PubMed 17460043 (cited by Labcorp Genetics (formerly Invitae), Labcorp); PubMed 20502709 (cited by Labcorp Genetics (formerly Invitae), Labcorp); PubMed 22364217 (cited by Labcorp Genetics (formerly Invitae), Labcorp); PubMed 22853774 (cited by Labcorp Genetics (formerly Invitae), Labcorp); PubMed 28102861 (cited by Labcorp Genetics (formerly Invitae), Labcorp); PubMed 30523342 (cited by Labcorp Genetics (formerly Invitae), Labcorp).

NM_198253.3(TERT):c.2593C>T (p.Arg865Cys)

Gene: TERT (telomerase reverse transcriptase; minus strand). Cytogenetic location: 5p15.33.
Variant type: single nucleotide variant.
Coding change: c.2593C>T on transcript NM_198253.3 (MANE Select); coding-DNA position 2593, C replaced by T.
Protein change: p.Arg865Cys; replaces arginine 865 with cysteine.
Molecular consequence: missense variant. On other transcripts: non-coding transcript variant (2).
Genome position (GRCh38, 1-based): chr5:1,266,525, G>A on the plus strand (C>T on the coding strand, the complement: TERT is on the minus strand). VCF-style: chr5-1266525-G-A. GRCh37 (hg19) VCF-style: chr5-1266640-G-A.
Other names: c.2593C>T, p.Arg865Cys (NM_001193376.3); short protein forms R865C.
Identifiers: ClinVar variation 986922 (VCV000986922.9), dbSNP rs372868296, ClinGen allele CA3184446.